The following is an entry in ClinVar:

NM_000455.5(STK11):c.*17-6C>T

Gene: STK11 (serine/threonine kinase 11; plus strand). Cytogenetic location: 19p13.3.
Variant type: single nucleotide variant.
Coding change: c.*17-6C>T on transcript NM_000455.5 (MANE Select); 6 bases into the intron before 17 bases downstream of the stop codon, C replaced by T.
Molecular consequence: intron variant.
Genome position (GRCh38, 1-based): chr19:1,227,587, C>T. VCF-style: chr19-1227587-C-T. GRCh37 (hg19) VCF-style: chr19-1227586-C-T.
Identifiers: ClinVar variation 382836 (VCV000382836.1), dbSNP rs866505758, ClinGen allele CA16608859.
Genomic context (GRCh38, chr19:1,227,587, plus strand): 5'-GGGGCCCGCGGGAGGCGGAGAACCGGTGCCCAGGCTGACCTCTTCCGTCTTCCTTCCACC[C>T]TGCAGCCCGTGTCCAGGAGCCCCGCCAGGTGCCCGCGCCAGGCCCTCAGTCTTCCTGCCG-3'

ClinVar aggregate classification (germline): Likely benign (1 of 4 stars; one submission).

Allele frequency attached by ClinVar (database versions not stated): gnomAD exomes 0.00001; TOPMed 0.00002; 1000 Genomes Project 30x 0.00016.
gnomAD v4.1: 14 of 1,064,674 alleles (0.0013%); highest among the groups gnomAD compares: South Asian, 0.018%; no homozygotes.

Submission:

GeneDx
Classification: Likely benign. Last evaluated: 2015-12-31. Review status: criteria provided, single submitter. Criteria: GeneDx Variant Classification (06012015). Collection method: clinical testing. Allele origin: germline. Affected: yes.
Comment: This variant is considered likely benign or benign based on one or more of the following criteria: it is a conservative change, it occurs at a poorly conserved position in the protein, it is predicted to be benign by multiple in silico algorithms, and/or has population frequency not consistent with disease.